The following continues an entry in ClinVar:

NM_007294.4(BRCA1):c.5080G>T (p.Glu1694Ter)

Gene: BRCA1. ClinVar aggregate classification (germline): Pathogenic. Pathogenic (1).

Submissions 10 to 20 of 20:

Color Diagnostics, LLC DBA Color Health
Classification: Pathogenic for Hereditary cancer-predisposing syndrome. Last evaluated: 2021-04-12. Review status: criteria provided, single submitter. Criteria: ACMG Guidelines, 2015. Collection method: clinical testing. Allele origin: germline. Not counted in ClinVar's aggregate classification.
Comment: This variant changes 1 nucleotide in exon 17 of the BRCA1 gene, creating a premature translation stop signal. This sequence change is expected to result in an absent or non-functional protein product. In addition, RNA studies have shown that this variant disrupts an exonic splice enhancer motif and causes aberrant splicing, resulting in an in-frame skipping of exon 17 (exon 18 based on BIC nomenclature; p.Asp1692_Phe1717del) (PMID: 9497265, 11137998). The mutant protein lacking 26 amino acids from the conserved BRCT domain is expected to be dysfunctional. This variant has been reported in over ten individuals affected with breast cancer (PMID: 9497265, 10464631, 11802209, 22798144, 25863477). This variant has been identified in 1/251136 chromosomes in the general population by the Genome Aggregation Database (gnomAD). Loss of BRCA1 function is a known mechanism of disease. Based on the available evidence, this variant is classified as Pathogenic.

GeneDx
Classification: Pathogenic. Last evaluated: 2020-07-29. Review status: criteria provided, single submitter. Criteria: GeneDx Variant Classification Process June 2021. Collection method: clinical testing. Allele origin: germline. Affected: yes. Not counted in ClinVar's aggregate classification.
Comment: Nonsense variant in the C-terminus predicted to result in the in-frame skipping of exon 17, also denoted exon 18, resulting in disruption of the BRCT domain (Mazoyer 1998, Liu 2001, Perrin-Vidoz 2002); Observed in individuals with a personal or family history consistent with pathogenic variants in this gene (Shattuck-Eidens 1997, Liu 2001, Schoumacher 2001, Meindl 2002, Kim 2012); Published functional studies demonstrate a damaging effect: classified as non-functional based a saturation genome editing assay measuring cell viability (Findlay 2018); Not observed at a significant frequency in large population cohorts (Lek 2016); This variant is associated with the following publications: (PMID: 9497265, 11137998, 12393792, 27281844, 31924417, 32098980, 30207098, 32019277, 29673794, 25863477, 27026398, 29446198, 28111427, 30209399, 29020732, 25525159, 18391021, 12145750, 22798144, 16825284, 16267036, 12955719, 11802209, 11400546, 9333265, 29346284)

Consortium of Investigators of Modifiers of BRCA1/2 (CIMBA), c/o University of Cambridge
Classification: Pathogenic for Breast-ovarian cancer, familial, susceptibility to, 1. Last evaluated: 2015-10-02. Review status: criteria provided, single submitter. Criteria: CIMBA Mutation Classification guidelines May 2016. Collection method: clinical testing. Allele origin: germline. Not counted in ClinVar's aggregate classification.

Clinical Genetics DNA and cytogenetics Diagnostics Lab, Erasmus MC, Erasmus Medical Center
Classification: Pathogenic for Breast-ovarian cancer, familial, susceptibility to, 1. Last evaluated: 2015-09-21. Review status: criteria provided, single submitter. Criteria: ACGS Guidelines, 2013. Collection method: clinical testing. Allele origin: germline. Affected: yes. Study: VKGL Data-share Consensus. Not counted in ClinVar's aggregate classification.

PreventionGenetics, part of Exact Sciences
Classification: Pathogenic for BRCA1-related condition. Last evaluated: 2024-07-18. Review status: no assertion criteria provided. Collection method: clinical testing. Allele origin: germline. Not counted in ClinVar's aggregate classification.
Comment: The BRCA1 c.5080G>T variant is predicted to result in premature protein termination (p.Glu1694*). This variant has been reported in multiple individuals with breast and/or ovarian cancer (Shattuck-Eidens et al. 1997. PubMed ID: 9333265; Park et al. 2017. PubMed ID: 28111427; Table S2, Eoh et al. 2017. PubMed ID: 29020732; reported as c.5199G>T in Mazoyer et al. 1998. PubMed ID: 9497265). This variant is reported in 0.00088% of alleles in individuals of European (non-Finnish) descent in gnomAD and it is classified as pathogenic by an expert panel in ClinVar. Nonsense variants in BRCA1 are expected to be pathogenic. This variant is interpreted as pathogenic.

Research Molecular Genetics Laboratory, Women's College Hospital, University of Toronto
Classification: Pathogenic for Hereditary breast ovarian cancer syndrome. Last evaluated: 2014-01-31. Review status: no assertion criteria provided. Collection method: research. Allele origin: germline. Affected: yes. Study: The Canadian Open Genetics Repository (COGR). Not counted in ClinVar's aggregate classification.

Sharing Clinical Reports Project (SCRP)
Classification: Pathogenic for Breast-ovarian cancer, familial 1. Last evaluated: 2006-11-05. Review status: no assertion criteria provided. Collection method: clinical testing. Allele origin: germline. Not counted in ClinVar's aggregate classification.

Breast Cancer Information Core (BIC) (BRCA1)
Classification: Pathogenic for Breast-ovarian cancer, familial 1. Last evaluated: 2002-05-29. Review status: no assertion criteria provided. Collection method: clinical testing. Allele origin: germline. Affected: yes. Observed: 12 variant alleles. Not counted in ClinVar's aggregate classification.

Brotman Baty Institute, University of Washington
No classification provided (evidence only). Condition: Breast-ovarian cancer, familial 1. Review status: no classification provided. Collection method: in vitro. Allele origin: not applicable. Functional consequence: functionally_abnormal. Not counted in ClinVar's aggregate classification.
ClinVar note: "not provided" was previously submitted as the classification for the variant. However, the classification appeared to be based only on an observation of functional data so it was converted to no classification on 2025-07-30.

Diagnostic Laboratory, Department of Genetics, University Medical Center Groningen
Classification: Pathogenic for Breast-ovarian cancer, familial, susceptibility to, 1. Review status: no assertion criteria provided. Collection method: clinical testing. Allele origin: germline. Affected: yes. Study: VKGL Data-share Consensus. Not counted in ClinVar's aggregate classification.

Joint Genome Diagnostic Labs from Nijmegen and Maastricht, Radboudumc and MUMC+
Classification: Pathogenic. Review status: no assertion criteria provided. Collection method: clinical testing. Allele origin: germline. Affected: yes. Study: VKGL Data-share Consensus. Not counted in ClinVar's aggregate classification.

Literature cited by the submitters: PubMed 10464601 (cited by Ambry Genetics and Women's Health and Genetics/Laboratory Corporation of America, LabCorp); PubMed 11137998 (cited by 3 submitters); PubMed 16280041 (cited by Ambry Genetics); PubMed 18391021 (cited by Ambry Genetics and Quest Diagnostics Nichols Institute San Juan Capistrano); PubMed 20215541 (cited by Ambry Genetics and Quest Diagnostics Nichols Institute San Juan Capistrano); PubMed 25525159 (cited by Ambry Genetics and Quest Diagnostics Nichols Institute San Juan Capistrano); PubMed 25863477 (cited by 3 submitters); PubMed 28111427 (cited by Ambry Genetics and Quest Diagnostics Nichols Institute San Juan Capistrano); PubMed 29020732 (cited by Ambry Genetics and Quest Diagnostics Nichols Institute San Juan Capistrano); PubMed 29346284 (cited by Ambry Genetics); PubMed 9333265 (cited by 4 submitters); PubMed 9497265 (cited by 4 submitters); PubMed 16267036 (cited by Women's Health and Genetics/Laboratory Corporation of America, LabCorp); PubMed 10464609 (cited by Women's Health and Genetics/Laboratory Corporation of America, LabCorp); PubMed 22798144 (cited by Women's Health and Genetics/Laboratory Corporation of America, LabCorp); PubMed 32341426 (cited by Quest Diagnostics Nichols Institute San Juan Capistrano); PubMed 30209399 (cited by Quest Diagnostics Nichols Institute San Juan Capistrano); PubMed 32455662 (cited by Quest Diagnostics Nichols Institute San Juan Capistrano); PubMed 33471991 (cited by Quest Diagnostics Nichols Institute San Juan Capistrano); PubMed 22762150 (cited by Quest Diagnostics Nichols Institute San Juan Capistrano); PubMed 29922827 (cited by Quest Diagnostics Nichols Institute San Juan Capistrano); PubMed 29446198 (cited by Quest Diagnostics Nichols Institute San Juan Capistrano); PubMed 30207098 (cited by Quest Diagnostics Nichols Institute San Juan Capistrano); PubMed 30992324 (cited by Quest Diagnostics Nichols Institute San Juan Capistrano); PubMed 31825140 (cited by Quest Diagnostics Nichols Institute San Juan Capistrano); PubMed 32019277 (cited by Quest Diagnostics Nichols Institute San Juan Capistrano); PubMed 32906206 (cited by Quest Diagnostics Nichols Institute San Juan Capistrano).